The following is an entry in ClinVar:

ClinVar aggregate classification (germline): Uncertain significance. Review status: criteria provided, multiple submitters, no conflicts (2 of 4 stars). 2 submissions from 2 submitters: Uncertain significance (2). Last evaluated 2022-05-26.

Conditions:
Charcot-Marie-Tooth disease axonal type 2O. Also called: CHARCOT-MARIE-TOOTH NEUROPATHY, AXONAL, TYPE 2O; CHARCOT-MARIE-TOOTH DISEASE, AXONAL, AUTOSOMAL DOMINANT, TYPE 2O; Charcot-Marie-Tooth disease, axonal, type 20; Charcot-Marie-Tooth Neuropathy Type 2O. Identifiers: Orphanet 284232, MedGen C3280220, MONDO:0013644, OMIM 614228.

Submissions (2):

Labcorp Genetics (formerly Invitae), Labcorp
Classification: Uncertain significance for Charcot-Marie-Tooth disease axonal type 2O. Last evaluated: 2022-05-26. Review status: criteria provided, single submitter. Criteria: Invitae Variant Classification Sherloc (09022015). Collection method: clinical testing. Allele origin: germline.
Comment: This sequence change replaces asparagine, which is neutral and polar, with serine, which is neutral and polar, at codon 4572 of the DYNC1H1 protein (p.Asn4572Ser). In summary, the available evidence is currently insufficient to determine the role of this variant in disease. Therefore, it has been classified as a Variant of Uncertain Significance. Advanced modeling of protein sequence and biophysical properties (such as structural, functional, and spatial information, amino acid conservation, physicochemical variation, residue mobility, and thermodynamic stability) performed at Invitae indicates that this missense variant is not expected to disrupt DYNC1H1 protein function. ClinVar contains an entry for this variant (Variation ID: 1312278). This variant has not been reported in the literature in individuals affected with DYNC1H1-related conditions. This variant is not present in population databases (gnomAD no frequency).

GeneDx
Classification: Uncertain significance. Last evaluated: 2020-07-15. Review status: criteria provided, single submitter. Criteria: GeneDx Variant Classification Process June 2021. Collection method: clinical testing. Allele origin: germline. Affected: yes.
Comment: Not observed in large population cohorts (Lek et al., 2016); In silico analysis, which includes protein predictors and evolutionary conservation, supports that this variant does not alter protein structure/function; Has not been previously published as pathogenic or benign to our knowledge

NM_001376.5(DYNC1H1):c.13715A>G (p.Asn4572Ser)

Gene: DYNC1H1 (dynein cytoplasmic 1 heavy chain 1; plus strand). Cytogenetic location: 14q32.31.
Variant type: single nucleotide variant.
Coding change: c.13715A>G on transcript NM_001376.5 (MANE Select); coding-DNA position 13715, A replaced by G.
Protein change: p.Asn4572Ser; replaces asparagine 4572 with serine.
Molecular consequence: missense variant.
Genome position (GRCh38, 1-based): chr14:102,050,101, A>G. VCF-style: chr14-102050101-A-G. GRCh37 (hg19) VCF-style: chr14-102516438-A-G.
Other names: short protein forms N4572S.
Identifiers: ClinVar variation 1312278 (VCV001312278.6), dbSNP rs2152601484, ClinGen allele CA391051472.